The following is an entry in ClinVar:

ClinVar aggregate classification (germline): Uncertain significance. Review status: criteria provided, multiple submitters, no conflicts (2 of 4 stars). 2 submissions from 2 submitters: Uncertain significance (2). Last evaluated 2024-12-16.

Conditions:
Inborn genetic diseases. Identifiers: MedGen C0950123, MeSH D030342.

Allele frequency attached by ClinVar (database versions not stated): gnomAD exomes 0.00001 and 0.00005; ExAC 0.00007; gnomAD 0.00011 and 0.00012; 1000 Genomes Project 30x 0.00016; TOPMed 0.00021; ESP Exome Variant Server 0.00023.

Submissions (2):

Labcorp Genetics (formerly Invitae), Labcorp
Classification: Uncertain significance. Last evaluated: 2024-12-16. Review status: criteria provided, single submitter. Criteria: Invitae Variant Classification Sherloc (09022015). Collection method: clinical testing. Allele origin: germline.
Comment: This sequence change replaces leucine, which is neutral and non-polar, with phenylalanine, which is neutral and non-polar, at codon 96 of the PIGP protein (p.Leu96Phe). This variant is present in population databases (rs368219135, gnomAD 0.06%). This variant has not been reported in the literature in individuals affected with PIGP-related conditions. ClinVar contains an entry for this variant (Variation ID: 1384815). An algorithm developed to predict the effect of missense changes on protein structure and function (PolyPhen-2) suggests that this variant¬†is likely to be tolerated. In summary, the available evidence is currently insufficient to determine the role of this variant in disease. Therefore, it has been classified as a Variant of Uncertain Significance.

Ambry Genetics
Classification: Uncertain significance for Inborn genetic diseases. Last evaluated: 2024-11-14. Review status: criteria provided, single submitter. Criteria: Ambry Variant Classification Scheme 2023. Collection method: clinical testing. Allele origin: germline.

NM_153682.3(PIGP):c.214C>T (p.Leu72Phe)

Gene: PIGP (phosphatidylinositol glycan anchor biosynthesis class P; minus strand). Cytogenetic location: 21q22.13.
Variant type: single nucleotide variant.
Coding change: c.214C>T on transcript NM_153682.3 (MANE Select); coding-DNA position 214, C replaced by T.
Protein change: p.Leu72Phe; replaces leucine 72 with phenylalanine.
Molecular consequence: missense variant.
Genome position (GRCh38, 1-based): chr21:37,067,322, G>A on the plus strand (C>T on the coding strand, the complement: PIGP is on the minus strand). VCF-style: chr21-37067322-G-A. GRCh37 (hg19) VCF-style: chr21-38439622-G-A.
Other names: c.214C>T, p.Leu72Phe (NM_001320480.2); c.136C>T, p.Leu46Phe (NM_016430.4); c.286C>T, p.Leu96Phe (NM_153681.2); short protein forms L96F, L46F, L72F.
Identifiers: ClinVar variation 1384815 (VCV001384815.7), dbSNP rs368219135, ClinGen allele CA10021074.